The following is an entry in ClinVar:

NM_001349253.2(SCN11A):c.5326G>C (p.Gly1776Arg)

Gene: SCN11A (sodium voltage-gated channel alpha subunit 11; minus strand). Cytogenetic location: 3p22.2.
Variant type: single nucleotide variant.
Coding change: c.5326G>C on transcript NM_001349253.2 (MANE Select); coding-DNA position 5326, G replaced by C.
Protein change: p.Gly1776Arg; replaces glycine 1776 with arginine.
Molecular consequence: missense variant.
Genome position (GRCh38, 1-based): chr3:38,846,744, C>G on the plus strand (G>C on the coding strand, the complement: SCN11A is on the minus strand). VCF-style: chr3-38846744-C-G. GRCh37 (hg19) VCF-style: chr3-38888235-C-G.
Other names: c.5326G>C, p.Gly1776Arg (NM_014139.3); short protein forms G1776R.
Identifiers: ClinVar variation 2949801 (VCV002949801.3), dbSNP rs1191445967, ClinGen allele CA352158966.

ClinVar aggregate classification (germline): Uncertain significance (1 of 4 stars; one submission).

Conditions:
Familial episodic pain syndrome with predominantly lower limb involvement. Also called: Episodic pain syndrome, familial, 3. Identifiers: Orphanet 391384, Orphanet 391392, MedGen C3809899, MONDO:0014247, OMIM 615552.
Hereditary sensory and autonomic neuropathy type 7. Also called: HSAN VII; Neuropathy, hereditary sensory and autonomic, type VII. Identifiers: Orphanet 391397, MedGen C3809882, MONDO:0014244, OMIM 615548.

Allele frequency attached by ClinVar (database versions not stated): TOPMed below 0.00001; gnomAD 0.00001.
gnomAD v4.1: 1 of 1,614,036 alleles (0.000062%); highest among the groups gnomAD compares: Non-Finnish European, 0.000085%; no homozygotes.

Submission:

Labcorp Genetics (formerly Invitae), Labcorp
Classification: Uncertain significance for Familial episodic pain syndrome with predominantly lower limb involvement; Hereditary sensory and autonomic neuropathy type 7. Last evaluated: 2024-02-29. Review status: criteria provided, single submitter. Criteria: Invitae Variant Classification Sherloc (09022015). Collection method: clinical testing. Allele origin: germline.
Comment: This sequence change replaces glycine, which is neutral and non-polar, with arginine, which is basic and polar, at codon 1776 of the SCN11A protein (p.Gly1776Arg). This variant is not present in population databases (gnomAD no frequency). This variant has not been reported in the literature in individuals affected with SCN11A-related conditions. An algorithm developed to predict the effect of missense changes on protein structure and function (PolyPhen-2) suggests that this variant is likely to be disruptive. In summary, the available evidence is currently insufficient to determine the role of this variant in disease. Therefore, it has been classified as a Variant of Uncertain Significance.